The following is an entry in ClinVar:

NM_001267550.2(TTN):c.45090del (p.Ala15031fs)

Genes: TTN (titin; minus strand), LOC126806427 (BRD4-independent group 4 enhancer GRCh37_chr2:179485777-179486976; plus strand). Cytogenetic location: 2q31.2.
Variant type: Deletion.
Coding change: c.45090del on transcript NM_001267550.2 (MANE Select); coding-DNA position 45090, one base deleted (A; older notation c.45090delA).
Protein change: p.Ala15031fs; shifts the reading frame from alanine 15031.
Molecular consequence: frameshift variant.
Genome position (GRCh38, 1-based): chr2:178,621,734, T deleted on the plus strand (A on the coding strand, the reverse complement: TTN is on the minus strand); the first of 2 consecutive T bases (chr2:178,621,734-178,621,735); deleting either gives the same sequence. VCF-style (leftmost placement, unchanged base first): chr2-178621733-CT-C. GRCh37 (hg19) VCF-style: chr2-179486460-CT-C.
Other names: c.40167del, p.Ala13390fs (NM_001256850.1); c.17895del, p.Ala5966fs (NM_003319.4); c.37386del, p.Ala12463fs (NM_133378.4); c.18270del, p.Ala6091fs (NM_133432.3); c.18471del, p.Ala6158fs (NM_133437.4); short protein forms A13390fs, A6158fs, A15031fs, A6091fs, A12463fs, A5966fs.
Identifiers: ClinVar variation 2950045 (VCV002950045.3), dbSNP rs2471060288, ClinGen allele CA2740096162.

ClinVar aggregate classification (germline): Likely pathogenic (1 of 4 stars; one submission).

Conditions:
Dilated cardiomyopathy 1G (CMD1G). Identifiers: Orphanet 154, MedGen C1858763, MONDO:0011400, OMIM 604145.
Autosomal recessive limb-girdle muscular dystrophy type 2J (LGMDR10). Also called: Limb-girdle muscular dystrophy, type 2J; MUSCULAR DYSTROPHY, LIMB-GIRDLE, AUTOSOMAL RECESSIVE 10. Identifiers: Orphanet 140922, MedGen C1837342, MONDO:0012127, OMIM 608807.

Submission:

Labcorp Genetics (formerly Invitae), Labcorp
Classification: Likely pathogenic for Dilated cardiomyopathy 1G; Autosomal recessive limb-girdle muscular dystrophy type 2J. Last evaluated: 2024-10-18. Review status: criteria provided, single submitter. Criteria: Invitae Variant Classification Sherloc (09022015). Collection method: clinical testing. Allele origin: germline.
Comment: This sequence change creates a premature translational stop signal (p.Ala15031Leufs*18) in the TTN gene. While this is not anticipated to result in nonsense mediated decay, it is expected to create a truncated TTN protein. This variant is not present in population databases (gnomAD no frequency). This variant has not been reported in the literature in individuals affected with TTN-related conditions. This variant is located in the I band of TTN (PMID: 25589632). Truncating variants in this region have been reported in individuals affected with autosomal recessive centronuclear myopathy (PMID: 23975875, internal data). Truncating variants in this region have also been identified in individuals affected with autosomal dominant dilated cardiomyopathy and/or cardio-related conditions (PMID: 27869827, 32964742, internal data). In summary, the currently available evidence indicates that the variant is pathogenic, but additional data are needed to prove that conclusively. Therefore, this variant has been classified as Likely Pathogenic.

Literature cited by the submitters: PubMed 25589632; PubMed 23975875; PubMed 27869827; PubMed 32964742.